The following is an entry in ClinVar:

NM_001042545.2(LTBP4):c.1297C>A (p.Pro433Thr)

Gene: LTBP4 (latent transforming growth factor beta binding protein 4; plus strand). Cytogenetic location: 19q13.2.
Variant type: single nucleotide variant.
Coding change: c.1297C>A on transcript NM_001042545.2 (MANE Select); coding-DNA position 1297, C replaced by A.
Protein change: p.Pro433Thr; replaces proline 433 with threonine.
Molecular consequence: missense variant.
Genome position (GRCh38, 1-based): chr19:40,608,360, C>A. VCF-style: chr19-40608360-C-A. GRCh37 (hg19) VCF-style: chr19-41114266-C-A.
Other names: c.1498C>A, p.Pro500Thr (NM_001042544.1); c.1387C>A, p.Pro463Thr (NM_003573.2); short protein forms P463T, P500T, P433T.
Identifiers: ClinVar variation 3781295 (VCV003781295.2).
Genomic context (GRCh38, chr19:40,608,360, plus strand): 5'-GGCCAGGAGCCACCCCGAGTGTCACTCAGCCAGCCTCGTACCCTGCCAGCCACCTCTCGG[C>A]CATCTGCAGGTGAGCTGGCTCTGGCAGAAGTGGGTGCCATCTTCAAGGGGCTGCCCCAGC-3'
Protein context (NP_001036010.1, residues 423-443): QPRTLPATSR[Pro433Thr]SAGFLPTHRL

ClinVar aggregate classification (germline): Uncertain significance (1 of 4 stars; one submission).

gnomAD v4.1: 12 of 1,612,640 alleles (0.00074%); highest among the groups gnomAD compares: Non-Finnish European, 0.00068%; no homozygotes.

Submission:

GeneDx
Classification: Uncertain significance. Last evaluated: 2026-10-13. Review status: criteria provided, single submitter. Criteria: GeneDx Variant Classification Process June 2021. Collection method: clinical testing. Allele origin: germline.
Comment: Not observed at significant frequency in large population cohorts (gnomAD); In silico analysis suggests that this missense variant does not alter protein structure/function; Has not been previously published as pathogenic or benign to our knowledge